The following is an entry in ClinVar:

ClinVar aggregate classification (germline): Uncertain significance (1 of 4 stars; one submission).

Conditions:
Episodic ataxia type 2 (EA2). Also called: ACETAZOLAMIDE-RESPONSIVE HEREDITARY PAROXYSMAL CEREBELLAR ATAXIA; ATAXIA, EPISODIC, WITH NYSTAGMUS; ATAXIA, FAMILIAL PAROXYSMAL; CEREBELLAR ATAXIA, PAROXYSMAL, ACETAZOLAMIDE-RESPONSIVE; CEREBELLOPATHY, HEREDITARY PAROXYSMAL; EPISODIC ATAXIA, NYSTAGMUS-ASSOCIATED. Identifiers: Orphanet 97, MedGen C1720416, MONDO:0007163, OMIM 108500.
Developmental and epileptic encephalopathy, 42 (DEE42A). Also called: Epileptic encephalopathy, early infantile, 42; DEVELOPMENTAL AND EPILEPTIC ENCEPHALOPATHY 42A; EPILEPTIC ENCEPHALOPATHY, EARLY INFANTILE, 42A. Identifiers: MedGen C4310716, MONDO:0014917, OMIM 617106.

Submission:

Labcorp Genetics (formerly Invitae), Labcorp
Classification: Uncertain significance for Developmental and epileptic encephalopathy, 42; Episodic ataxia type 2. Last evaluated: 2025-02-26. Review status: criteria provided, single submitter. Criteria: Invitae Variant Classification Sherloc (09022015). Collection method: clinical testing. Allele origin: germline.
Comment: This sequence change replaces alanine, which is neutral and non-polar, with aspartic acid, which is acidic and polar, at codon 1921 of the CACNA1A protein (p.Ala1921Asp). This variant is not present in population databases (gnomAD no frequency). This variant has not been reported in the literature in individuals affected with CACNA1A-related conditions. Invitae Evidence Modeling of protein sequence and biophysical properties (such as structural, functional, and spatial information, amino acid conservation, physicochemical variation, residue mobility, and thermodynamic stability) indicates that this missense variant is not expected to disrupt CACNA1A protein function with a negative predictive value of 95%. In summary, the available evidence is currently insufficient to determine the role of this variant in disease. Therefore, it has been classified as a Variant of Uncertain Significance.

NM_001127222.2(CACNA1A):c.5759C>A (p.Ala1920Asp)

Gene: CACNA1A (calcium voltage-gated channel subunit alpha1 A; minus strand). Cytogenetic location: 19p13.13.
Variant type: single nucleotide variant.
Coding change: c.5759C>A on transcript NM_001127222.2 (MANE Select); coding-DNA position 5759, C replaced by A.
Protein change: p.Ala1920Asp; replaces alanine 1920 with aspartic acid.
Molecular consequence: missense variant.
Genome position (GRCh38, 1-based): chr19:13,214,581, G>T on the plus strand (C>A on the coding strand, the complement: CACNA1A is on the minus strand). VCF-style: chr19-13214581-G-T. GRCh37 (hg19) VCF-style: chr19-13325395-G-T.
Other names: c.5777C>A, p.Ala1926Asp (NM_000068.4, NM_023035.3); c.5762C>A, p.Ala1921Asp (NM_001127221.2); c.5768C>A, p.Ala1923Asp (NM_001174080.2); short protein forms A1921D, A1923D, A1926D, A1920D.
Identifiers: ClinVar variation 4789712 (VCV004789712.1).